The following is an entry in ClinVar:

ClinVar aggregate classification (germline): Pathogenic/Likely pathogenic. Review status: criteria provided, multiple submitters, no conflicts (2 of 4 stars). 2 submissions from 2 submitters: Pathogenic (1); Likely pathogenic (1). Last evaluated 2025-06-07.

Conditions:
Mitochondrial complex V (ATP synthase) deficiency, nuclear type 2. Also called: Nuclear-Encoded ATPase Deficiency, TMEM70-Related; ENCEPHALOCARDIOMYOPATHY, MITOCHONDRIAL, NEONATAL, DUE TO ATP SYNTHASE DEFICIENCY; MITOCHONDRIAL COMPLEX V (ATP SYNTHASE) DEFICIENCY, TMEM70 TYPE. Identifiers: Orphanet 1194, MedGen C3279699, MONDO:0013546, OMIM 614052.

Submissions (2):

Labcorp Genetics (formerly Invitae), Labcorp
Classification: Pathogenic for Mitochondrial complex V (ATP synthase) deficiency, nuclear type 2. Last evaluated: 2025-06-07. Review status: criteria provided, single submitter. Criteria: Invitae Variant Classification Sherloc (09022015). Collection method: clinical testing. Allele origin: germline.
Comment: This sequence change creates a premature translational stop signal (p.Ala11Glyfs*40) in the TMEM70 gene. It is expected to result in an absent or disrupted protein product. Loss-of-function variants in TMEM70 are known to be pathogenic (PMID: 18953340, 21147908). This variant is present in population databases (no rsID available, gnomAD 0.0009%). This variant has not been reported in the literature in individuals affected with TMEM70-related conditions. ClinVar contains an entry for this variant (Variation ID: 2138392). For these reasons, this variant has been classified as Pathogenic.

Fulgent Genetics
Classification: Likely pathogenic for Mitochondrial complex V (ATP synthase) deficiency, nuclear type 2. Last evaluated: 2024-01-17. Review status: criteria provided, single submitter. Criteria: ACMG Guidelines, 2015. Collection method: clinical testing. Allele origin: germline.

Literature cited by the submitters: PubMed 18953340 (cited by Labcorp Genetics (formerly Invitae), Labcorp); PubMed 21147908 (cited by Labcorp Genetics (formerly Invitae), Labcorp).

NM_017866.6(TMEM70):c.30_31dup (p.Ala11fs)

Gene: TMEM70 (transmembrane protein 70; plus strand). Cytogenetic location: 8q21.11.
Variant type: Duplication.
Coding change: c.30_31dup on transcript NM_017866.6 (MANE Select); coding-DNA positions 30 to 31, 2 bases duplicated (GG; older notation c.30_31dupGG).
Protein change: p.Ala11fs; shifts the reading frame from alanine 11.
Molecular consequence: frameshift variant. On other transcripts: non-coding transcript variant (1).
Genome position (GRCh38, 1-based): chr8:73,976,311-73,976,312, GG duplicated; duplicating any 2 consecutive bases within chr8:73,976,310-73,976,312 gives the same sequence; the c. name uses the placement nearest the transcript's 3' end. VCF-style (leftmost placement, unchanged base first): chr8-73976309-T-TGG. GRCh37 (hg19) VCF-style: chr8-74888544-T-TGG.
Other names: c.30_31dup, p.Ala11fs (NM_001040613.3); short protein forms A11fs.
Identifiers: ClinVar variation 2138392 (VCV002138392.5), dbSNP rs1444024910, ClinGen allele CA371489122.
Genomic context (GRCh38, chr8:73,976,309, plus strand): 5'-CTGGGGCGTCCGCAGCCGCTCGTCACCCGCGTGATGCTGTTTCTGGCGTTGGGCAGCCCG[T>TGG]GGGCGGTCGAACTGCCTCTCTGCGGAAGGAGGACTGCATTGTGTGCGGCCGCCGCGCTCC-3'